The following is an entry in ClinVar:

NM_033305.3(VPS13A):c.6797G>C (p.Ser2266Thr)

Gene: VPS13A (vacuolar protein sorting 13 homolog A; plus strand). Cytogenetic location: 9q21.2.
Variant type: single nucleotide variant.
Coding change: c.6797G>C on transcript NM_033305.3 (MANE Select); coding-DNA position 6797, G replaced by C.
Protein change: p.Ser2266Thr; replaces serine 2266 with threonine.
Molecular consequence: missense variant.
Genome position (GRCh38, 1-based): chr9:77,340,200, G>C. VCF-style: chr9-77340200-G-C. GRCh37 (hg19) VCF-style: chr9-79955116-G-C.
Other names: p.Ser2266Thr; c.6680G>C, p.Ser2227Thr (NM_001018037.2); c.6797G>C, p.Ser2266Thr (NM_001018038.3, NM_015186.4); short protein forms S2227T, S2266T.
Identifiers: ClinVar variation 3379877 (VCV003379877.1).

ClinVar aggregate classification (germline): Uncertain significance (1 of 4 stars; one submission).

gnomAD v4.1: 1 of 1,613,246 alleles (0.000062%); highest among the groups gnomAD compares: Non-Finnish European, 0.000085%; no homozygotes.

Submission:

Mayo Clinic Laboratories, Mayo Clinic
Classification: Uncertain significance. Last evaluated: 2024-08-14. Review status: criteria provided, single submitter. Criteria: ACMG Guidelines, 2015. Collection method: clinical testing. Allele origin: germline. Observed: 1 variant allele.
Comment: BP4